The following is an entry in ClinVar:

ClinVar aggregate classification (germline): Likely benign. Review status: criteria provided, multiple submitters, no conflicts (2 of 4 stars). 2 submissions from 2 submitters: Likely benign (2). Last evaluated 2024-10-22.

Conditions:
Charcot-Marie-Tooth disease axonal type 2P. Also called: CHARCOT-MARIE-TOOTH DISEASE, AXONAL, TYPE 2G; CMT 2G; CHARCOT-MARIE-TOOTH NEUROPATHY, TYPE 2P; Charcot-Marie-Tooth Neuropathy Type 2G. Identifiers: Orphanet 300319, Orphanet 99941, MedGen C3280797, MONDO:0013753, OMIM 614436.

gnomAD v4.1: 1 of 1,614,008 alleles (0.000062%); highest among the groups gnomAD compares: Non-Finnish European, 0.000085%; no homozygotes.

Submissions (2):

Labcorp Genetics (formerly Invitae), Labcorp
Classification: Likely benign for Charcot-Marie-Tooth disease axonal type 2P. Last evaluated: 2024-10-22. Review status: criteria provided, single submitter. Criteria: Invitae Variant Classification Sherloc (09022015). Collection method: clinical testing. Allele origin: germline.

CeGaT Center for Human Genetics Tuebingen
Classification: Likely benign. Last evaluated: 2022-10-01. Review status: criteria provided, single submitter. Criteria: CeGaT Center For Human Genetics Tuebingen Variant Classification Criteria Version 2. Collection method: clinical testing. Allele origin: germline. Affected: yes. Observed: 1 variant allele.
Comment: LRSAM1: PM2:Supporting, BP4, BP7

NM_001005373.4(LRSAM1):c.1953C>A (p.Ala651=)

Gene: LRSAM1 (leucine rich repeat and sterile alpha motif containing 1; plus strand). Cytogenetic location: 9q34.11.
Variant type: single nucleotide variant.
Coding change: c.1953C>A on transcript NM_001005373.4 (MANE Select); coding-DNA position 1953, C replaced by A.
Protein change: p.Ala651=; no amino-acid change (alanine 651 retained).
Molecular consequence: synonymous variant. On other transcripts: non-coding transcript variant (2).
Genome position (GRCh38, 1-based): chr9:127,501,050, C>A. VCF-style: chr9-127501050-C-A. GRCh37 (hg19) VCF-style: chr9-130263329-C-A.
Other names: c.1953C>A, p.Ala651= (NM_001005374.4, NM_001384142.1, NM_138361.5); c.1872C>A, p.Ala624= (NM_001190723.3); c.1854C>A, p.Ala618= (NM_001384143.1); c.1164C>A, p.Ala388= (NM_001384144.1).
Identifiers: ClinVar variation 2659504 (VCV002659504.27), dbSNP rs2539463950, ClinGen allele CA467236686.